The following is an entry in ClinVar:

NM_020458.4(TTC7A):c.2248A>G (p.Met750Val)

Gene: TTC7A (tetratricopeptide repeat domain 7A; plus strand). Cytogenetic location: 2p21.
Variant type: single nucleotide variant.
Coding change: c.2248A>G on transcript NM_020458.4 (MANE Select); coding-DNA position 2248, A replaced by G.
Protein change: p.Met750Val; replaces methionine 750 with valine.
Molecular consequence: missense variant.
Genome position (GRCh38, 1-based): chr2:47,060,864, A>G. VCF-style: chr2-47060864-A-G. GRCh37 (hg19) VCF-style: chr2-47288003-A-G.
Other names: c.2320A>G, p.Met774Val (NM_001288951.2); c.2146A>G, p.Met716Val (NM_001288953.2); c.1186A>G, p.Met396Val (NM_001288955.2); short protein forms M774V, M396V, M716V, M750V.
Identifiers: ClinVar variation 854696 (VCV000854696.9), dbSNP rs1261534519, ClinGen allele CA346714881.
Genomic context (GRCh38, chr2:47,060,864, plus strand): 5'-GCAGGTTTCTGCATCCAGGAGGCGGCGGGCCTCTTCCCCACTTCTCACTCAGTACTCTAT[A>G]TGCGGGGCCGGCTGGCTGAGGTGAAGGGCAACCTGGAGGAGGCCAAGCAGCTGTACAAGG-3'
Protein context (NP_065191.2, residues 740-760): LFPTSHSVLY[Met750Val]RGRLAEVKGN

ClinVar aggregate classification (germline): Uncertain significance (1 of 4 stars; one submission).

Conditions:
Multiple gastrointestinal atresias. Also called: Multiple intestinal atresia; FAMILIAL INTESTINAL POLYATRESIA SYNDROME. Identifiers: Orphanet 2300, MedGen C0220744, MONDO:0009465.

Allele frequency attached by ClinVar (database versions not stated): gnomAD exomes below 0.00001; TOPMed below 0.00001.
gnomAD v4.1: 34 of 1,614,164 alleles (0.0021%); highest among the groups gnomAD compares: Non-Finnish European, 0.0028%; no homozygotes.

Submission:

Labcorp Genetics (formerly Invitae), Labcorp
Classification: Uncertain significance for Multiple gastrointestinal atresias. Last evaluated: 2020-01-24. Review status: criteria provided, single submitter. Criteria: Invitae Variant Classification Sherloc (09022015). Collection method: clinical testing. Allele origin: germline.
Comment: In summary, the available evidence is currently insufficient to determine the role of this variant in disease. Therefore, it has been classified as a Variant of Uncertain Significance. Algorithms developed to predict the effect of missense changes on protein structure and function (SIFT, PolyPhen-2, Align-GVGD) all suggest that this variant is likely to be tolerated, but these predictions have not been confirmed by published functional studies and their clinical significance is uncertain. This variant has not been reported in the literature in individuals with TTC7A-related conditions. This variant is not present in population databases (ExAC no frequency). This sequence change replaces methionine with valine at codon 750 of the TTC7A protein (p.Met750Val). The methionine residue is moderately conserved and there is a small physicochemical difference between methionine and valine.